The following is an entry in ClinVar:

NM_001142864.4(PIEZO1):c.4956-3T>C

Gene: PIEZO1 (piezo type mechanosensitive ion channel component 1 (Er blood group); minus strand). Cytogenetic location: 16q24.3.
Variant type: single nucleotide variant.
Coding change: c.4956-3T>C on transcript NM_001142864.4 (MANE Select); 3 bases into the intron before coding-DNA position 4956, T replaced by C.
Molecular consequence: intron variant.
Genome position (GRCh38, 1-based): chr16:88,722,069, A>G on the plus strand (T>C on the coding strand, the complement: PIEZO1 is on the minus strand). VCF-style: chr16-88722069-A-G. GRCh37 (hg19) VCF-style: chr16-88788477-A-G.
Other names: p.?; c.4956-3T>C (LRG_1137t1).
Identifiers: ClinVar variation 381268 (VCV000381268.29), dbSNP rs9935872, ClinGen allele CA8231980.

ClinVar aggregate classification (germline): Benign/Likely benign. Review status: criteria provided, multiple submitters, no conflicts (2 of 4 stars). 8 submissions from 7 submitters: Benign (7); Likely benign (1). Last evaluated 2026-02-03.

Conditions:
Dehydrated hereditary stomatocytosis with or without pseudohyperkalemia and/or perinatal edema (DHS1). Also called: PSEUDOHYPERKALEMIA EDINBURGH; DEHYDRATED HEREDITARY STOMATOCYTOSIS AND PSEUDOHYPERKALEMIA; DEHYDRATED HEREDITARY STOMATOCYTOSIS WITH PSEUDOHYPERKALEMIA AND PERINATAL EDEMA; Pseudohyperkalemia, familial, 1, due to red cell leak; Dehydrated hereditary stomatocytosis 1 with or without pseudohyperkalemia and/or perinatal edema. Identifiers: Orphanet 3202, MedGen C4551512, MONDO:0008689, OMIM 194380.
Lymphatic malformation 6 (LMPHM6). Also called: GENERALIZED LYMPHATIC DYSPLASIA OF FOTIOU; Lymphedema, hereditary, III; PIEZO1-related generalized lymphatic dysplasia with non-immune hydrops fetalis. Identifiers: Orphanet 568062, MedGen C4225184, MONDO:0014797, OMIM 616843.

Allele frequency attached by ClinVar (database versions not stated): ExAC 0.83165; 1000 Genomes Project 0.85962; 1000 Genomes Project 30x 0.85962; gnomAD exomes 0.86565 and 0.87592; gnomAD 0.87351 and 0.87681; TOPMed 0.87617.
gnomAD v4.1: 1,351,597 of 1,543,700 alleles (88%); highest among the groups gnomAD compares: East Asian, 91%; 592,356 homozygotes.

Submissions (8):

Labcorp Genetics (formerly Invitae), Labcorp
Classification: Benign. Last evaluated: 2026-02-03. Review status: criteria provided, single submitter. Criteria: Invitae Variant Classification Sherloc (09022015). Collection method: clinical testing. Allele origin: germline.

ARUP Laboratories, Molecular Genetics and Genomics, ARUP Laboratories
Classification: Benign. Last evaluated: 2025-07-31. Review status: criteria provided, single submitter. Criteria: ARUP Molecular Germline Variant Investigation Process 2024. Collection method: clinical testing. Allele origin: germline.

Blueprint Genetics
Classification: Likely benign. Last evaluated: 2024-11-27. Review status: criteria provided, single submitter. Criteria: ACMG Guidelines, 2015. Collection method: clinical testing. Allele origin: germline.

Genome-Nilou Lab
Classification: Benign for Dehydrated hereditary stomatocytosis with or without pseudohyperkalemia and/or perinatal edema. Last evaluated: 2021-09-05. Review status: criteria provided, single submitter. Criteria: ACMG Guidelines, 2015. Collection method: clinical testing. Allele origin: germline. Affected: no.

Genome-Nilou Lab
Classification: Benign for Lymphatic malformation 6. Last evaluated: 2021-09-05. Review status: criteria provided, single submitter. Criteria: ACMG Guidelines, 2015. Collection method: clinical testing. Allele origin: germline. Affected: no.

GeneDx
Classification: Benign. Last evaluated: 2016-08-10. Review status: criteria provided, single submitter. Criteria: GeneDx Variant Classification (06012015). Collection method: clinical testing. Allele origin: germline. Affected: yes.
Comment: This variant is considered likely benign or benign based on one or more of the following criteria: it is a conservative change, it occurs at a poorly conserved position in the protein, it is predicted to be benign by multiple in silico algorithms, and/or has population frequency not consistent with disease.

Mayo Clinic Laboratories, Mayo Clinic
Classification: Benign. Last evaluated: 2016-04-27. Review status: criteria provided, single submitter. Criteria: ACMG Guidelines, 2015. Collection method: clinical testing. Allele origin: germline. Observed: 2,652 variant alleles.

Breakthrough Genomics
Classification: Benign. Review status: criteria provided, single submitter. Criteria: ACMG Guidelines, 2015. Collection method: not provided. Allele origin: germline. Inheritance: Autosomal recessive inheritance. Affected: yes.